The following is an entry in ClinVar:

ClinVar aggregate classification (germline): Uncertain significance (1 of 4 stars; one submission).

Conditions:
Townes syndrome (TBS). Also called: Townes-Brocks syndrome. Identifiers: Orphanet 857, MedGen C0265246, MeSH C536974, MONDO:0007142.

gnomAD v4.1: 11 of 1,613,846 alleles (0.00068%); highest among the groups gnomAD compares: Admixed American, 0.0017%; no homozygotes.

Submission:

Labcorp Genetics (formerly Invitae), Labcorp
Classification: Uncertain significance for Townes syndrome. Last evaluated: 2022-06-05. Review status: criteria provided, single submitter. Criteria: Invitae Variant Classification Sherloc (09022015). Collection method: clinical testing. Allele origin: germline.
Comment: This sequence change replaces proline, which is neutral and non-polar, with serine, which is neutral and polar, at codon 90 of the SALL1 protein (p.Pro90Ser). This variant is present in population databases (rs749198993, gnomAD 0.003%). This variant has not been reported in the literature in individuals affected with SALL1-related conditions. ClinVar contains an entry for this variant (Variation ID: 1402581). Algorithms developed to predict the effect of missense changes on protein structure and function output the following: SIFT: "Tolerated"; PolyPhen-2: "Benign"; Align-GVGD: "Class C0". The serine amino acid residue is found in multiple mammalian species, which suggests that this missense change does not adversely affect protein function. In summary, the available evidence is currently insufficient to determine the role of this variant in disease. Therefore, it has been classified as a Variant of Uncertain Significance.

NM_002968.3(SALL1):c.268C>T (p.Pro90Ser)

Gene: SALL1 (spalt like transcription factor 1; minus strand). Cytogenetic location: 16q12.1.
Variant type: single nucleotide variant.
Coding change: c.268C>T on transcript NM_002968.3 (MANE Select); coding-DNA position 268, C replaced by T.
Protein change: p.Pro90Ser; replaces proline 90 with serine.
Molecular consequence: missense variant. On other transcripts: 5 prime UTR variant (1).
Genome position (GRCh38, 1-based): chr16:51,141,954, G>A on the plus strand (C>T on the coding strand, the complement: SALL1 is on the minus strand). VCF-style: chr16-51141954-G-A. GRCh37 (hg19) VCF-style: chr16-51175865-G-A.
Other names: c.-24C>T (NM_001127892.2); short protein forms P90S.
Identifiers: ClinVar variation 1402581 (VCV001402581.6), dbSNP rs749198993, ClinGen allele CA8053519.